The following is an entry in ClinVar:

ClinVar aggregate classification (germline): Pathogenic/Likely pathogenic. Review status: criteria provided, multiple submitters, no conflicts (2 of 4 stars). 6 submissions from 6 submitters: Pathogenic (2); Likely pathogenic (2). 2 of the submissions do not count toward it. Last evaluated 2024-10-15.

Conditions:
LZTR1-related disorder. Also called: LZTR1-related disorders; LZTR1-related condition.
Hereditary cancer-predisposing syndrome. Also called: Hereditary Cancer Syndrome; Tumor predisposition; Neoplastic Syndromes, Hereditary; Hereditary neoplastic syndrome. Identifiers: Orphanet 140162, MedGen C0027672, MeSH D009386, MONDO:0015356.
Cardiovascular phenotype. Identifiers: MedGen CN230736.
LZTR1-related schwannomatosis. Also called: Schwannomatosis 2; Schwannomatosis-2, susceptibility to. Identifiers: Orphanet 93921, MedGen C3810283, MONDO:0014299, OMIM 615670.

Allele frequency attached by ClinVar (database versions not stated): gnomAD exomes below 0.00001 and 0.00001.

Submissions (6):

Labcorp Genetics (formerly Invitae), Labcorp
Classification: Pathogenic. Last evaluated: 2024-10-15. Review status: criteria provided, single submitter. Criteria: Invitae Variant Classification Sherloc (09022015). Collection method: clinical testing. Allele origin: germline.
Comment: This sequence change creates a premature translational stop signal (p.Ser227Ilefs*33) in the LZTR1 gene. It is expected to result in an absent or disrupted protein product. Loss-of-function variants in LZTR1 are known to be pathogenic (PMID: 24362817, 25335493, 25480913, 25795793, 29469822, 30368668, 30442762, 30442766, 30481304, 30859559). This variant is present in population databases (no rsID available, gnomAD 0.003%). This variant has not been reported in the literature in individuals affected with LZTR1-related conditions. ClinVar contains an entry for this variant (Variation ID: 1206225). For these reasons, this variant has been classified as Pathogenic.

Ambry Genetics
Classification: Pathogenic for Cardiovascular phenotype; Hereditary cancer-predisposing syndrome. Last evaluated: 2023-11-03. Review status: criteria provided, single submitter. Criteria: Ambry Variant Classification Scheme 2023. Collection method: clinical testing. Allele origin: germline.
Comment: The c.671dupT pathogenic mutation, located in coding exon 8 of the LZTR1 gene, results from a duplication of T at nucleotide position 671, causing a translational frameshift with a predicted alternate stop codon (p.S227Ifs*33). This alteration is expected to result in loss of function by premature protein truncation or nonsense-mediated mRNA decay. Loss-of-function variants in LZTR1 are related to an increased risk for schwannomas and autosomal recessive Noonan syndrome; however, such associations with autosomal dominant Noonan syndrome have not been observed (Piotrowski A et al. Nat Genet. 2014 Feb;46:182-7; Yamamoto GL et al. J Med Genet. 2015 Jun;52:413-21; Johnston JJ et al. Genet Med. 2018 10;20:1175-1185). Based on the supporting evidence, this variant is pathogenic for an increased risk of LZTR1-related schwannomatosis (SWN) and would be expected to cause autosomal recessive Noonan syndrome when present along with a second pathogenic or likely pathogenic variant on the other allele; however, the association of this alteration with autosomal dominant Noonan syndrome is unlikely.

Baylor Genetics
Classification: Likely pathogenic for LZTR1-related schwannomatosis. Last evaluated: 2022-12-28. Review status: criteria provided, single submitter. Criteria: ACMG Guidelines, 2015. Collection method: clinical testing. Allele origin: unknown.

Blueprint Genetics
Classification: Likely pathogenic for LZTR1-related disorders. Last evaluated: 2022-09-06. Review status: criteria provided, single submitter. Criteria: ACMG Guidelines, 2015. Collection method: clinical testing. Allele origin: germline. Affected: yes. Observed: 1 variant allele.

Clinical Genetics DNA and cytogenetics Diagnostics Lab, Erasmus MC, Erasmus Medical Center
Classification: Pathogenic. Review status: no assertion criteria provided. Collection method: clinical testing. Allele origin: germline. Affected: yes. Study: VKGL Data-share Consensus. Not counted in ClinVar's aggregate classification.

Laboratory of Diagnostic Genome Analysis, Leiden University Medical Center (LUMC)
Classification: Likely pathogenic. Review status: no assertion criteria provided. Collection method: clinical testing. Allele origin: germline. Affected: yes. Study: VKGL Data-share Consensus. Not counted in ClinVar's aggregate classification.

Literature cited by the submitters: PubMed 24362817 (cited by Labcorp Genetics (formerly Invitae), Labcorp); PubMed 25335493 (cited by Labcorp Genetics (formerly Invitae), Labcorp); PubMed 25480913 (cited by Labcorp Genetics (formerly Invitae), Labcorp); PubMed 25795793 (cited by Labcorp Genetics (formerly Invitae), Labcorp); PubMed 29469822 (cited by Labcorp Genetics (formerly Invitae), Labcorp); PubMed 30368668 (cited by Labcorp Genetics (formerly Invitae), Labcorp); PubMed 30442762 (cited by Labcorp Genetics (formerly Invitae), Labcorp); PubMed 30442766 (cited by Labcorp Genetics (formerly Invitae), Labcorp); PubMed 30481304 (cited by Labcorp Genetics (formerly Invitae), Labcorp); PubMed 30859559 (cited by Labcorp Genetics (formerly Invitae), Labcorp).

NM_006767.4(LZTR1):c.671dup (p.Ser227fs)

Gene: LZTR1 (leucine zipper like post translational regulator 1; plus strand). Cytogenetic location: 22q11.21.
Variant type: Duplication.
Coding change: c.671dup on transcript NM_006767.4 (MANE Select); coding-DNA position 671, one base duplicated (T; older notation c.671dupT).
Protein change: p.Ser227fs; shifts the reading frame from serine 227.
Molecular consequence: frameshift variant.
Genome position (GRCh38, 1-based): chr22:20,990,405, T duplicated. VCF-style (leftmost placement, unchanged base first): chr22-20990404-A-AT. GRCh37 (hg19) VCF-style: chr22-21344693-A-AT.
Other names: short protein forms S227fs.
Identifiers: ClinVar variation 1206225 (VCV001206225.11), dbSNP rs1351226319, ClinGen allele CA638555867.